The following is an entry in ClinVar:

NM_001004334.4(GPR179):c.1477C>T (p.His493Tyr)

Gene: GPR179 (G protein-coupled receptor 179; minus strand). Cytogenetic location: 17q12.
Variant type: single nucleotide variant.
Coding change: c.1477C>T on transcript NM_001004334.4 (MANE Select); coding-DNA position 1477, C replaced by T.
Protein change: p.His493Tyr; replaces histidine 493 with tyrosine.
Molecular consequence: missense variant.
Genome position (GRCh38, 1-based): chr17:38,335,201, G>A on the plus strand (C>T on the coding strand, the complement: GPR179 is on the minus strand). VCF-style: chr17-38335201-G-A. GRCh37 (hg19) VCF-style: chr17-36491084-G-A.
Other names: short protein forms H493Y.
Identifiers: ClinVar variation 890590 (VCV000890590.14), dbSNP rs114716738, ClinGen allele CA290108695.
Genomic context (GRCh38, chr17:38,335,201, plus strand): 5'-GGGCGCCCACGGTCCACACAGCCAGGAAGCCCAGCACAGGTAGCAGGAGCAGCCCCAGGT[G>A]CCGCAGCAGCCGCCCGCTGCTCAGAAGGGCACTCCGCTGGGCCGTTCGAGACAGAAACAG-3'
Protein context (NP_001004334.3, residues 483-503): ALLSSGRLLR[His493Tyr]LGLLLLPVLG

ClinVar aggregate classification (germline): Benign/Likely benign. Review status: criteria provided, multiple submitters, no conflicts (2 of 4 stars). 4 submissions from 4 submitters: Benign (3); Likely benign (1). Last evaluated 2026-01-05.

Conditions:
Congenital stationary night blindness 1E. Also called: Night blindness, congenital stationary (complete), 1E, autosomal recessive. Identifiers: Orphanet 215, MedGen C3281215, MONDO:0013807, OMIM 614565.

Allele frequency attached by ClinVar (database versions not stated): gnomAD exomes 0.00033 and 0.00081; ExAC 0.00181; TOPMed 0.00346; ESP Exome Variant Server 0.00366; 1000 Genomes Project 0.00379; 1000 Genomes Project 30x 0.00406.

Submissions (4):

Labcorp Genetics (formerly Invitae), Labcorp
Classification: Benign. Last evaluated: 2026-01-05. Review status: criteria provided, single submitter. Criteria: Invitae Variant Classification Sherloc (09022015). Collection method: clinical testing. Allele origin: germline.

Blueprint Genetics
Classification: Likely benign. Last evaluated: 2024-10-04. Review status: criteria provided, single submitter. Criteria: ACMG Guidelines, 2015. Collection method: clinical testing. Allele origin: germline.

Illumina Laboratory Services, Illumina
Classification: Benign for Congenital stationary night blindness 1E. Last evaluated: 2018-01-12. Review status: criteria provided, single submitter. Criteria: ICSL Variant Classification Criteria 13 December 2019. Collection method: clinical testing. Allele origin: germline.
Comment: This variant was observed in the ICSL laboratory as part of a predisposition screen in an ostensibly healthy population. It had not been previously curated by ICSL or reported in the Human Gene Mutation Database (HGMD: prior to June 1st, 2018), and was therefore a candidate for classification through an automated scoring system. Utilizing variant allele frequency, disease prevalence and penetrance estimates, and inheritance mode, an automated score was calculated to assess if this variant is too frequent to cause the disease. Based on the score and internal cut-off values, a variant classified as benign is not then subjected to further curation. The score for this variant resulted in a classification of benign for this disease.

Breakthrough Genomics
Classification: Benign. Review status: criteria provided, single submitter. Criteria: ACMG Guidelines, 2015. Collection method: not provided. Allele origin: germline. Inheritance: Autosomal recessive inheritance. Affected: yes.